The following is an entry in ClinVar:

ClinVar aggregate classification (germline): Conflicting classifications of pathogenicity. Review status: criteria provided, conflicting classifications (1 of 4 stars). 4 submissions from 4 submitters: Uncertain significance (1); Benign (2). 1 of the submissions does not count toward it. Last evaluated 2025-11-05.

Conditions:
RGS9-related disorder. Also called: RGS9-related condition.

Allele frequency attached by ClinVar (database versions not stated): TOPMed 0.00001; 1000 Genomes Project 30x 0.00234; 1000 Genomes Project 0.00260.
gnomAD v4.1: 658 of 1,613,902 alleles (0.041%); highest among the groups gnomAD compares: South Asian, 0.67%; 10 homozygotes.

Submissions (4):

Labcorp Genetics (formerly Invitae), Labcorp
Classification: Benign. Last evaluated: 2025-11-05. Review status: criteria provided, single submitter. Criteria: Invitae Variant Classification Sherloc (09022015). Collection method: clinical testing. Allele origin: germline.

Blueprint Genetics
Classification: Benign. Last evaluated: 2024-10-04. Review status: criteria provided, single submitter. Criteria: ACMG Guidelines, 2015. Collection method: clinical testing. Allele origin: germline.

CeGaT Center for Human Genetics Tuebingen
Classification: Uncertain significance. Last evaluated: 2016-08-01. Review status: criteria provided, single submitter. Criteria: CeGaT Center For Human Genetics Tuebingen Variant Classification Criteria Version 2. Collection method: clinical testing. Allele origin: germline. Affected: yes. Observed: 1 variant allele.

PreventionGenetics, part of Exact Sciences
Classification: Benign for RGS9-related condition. Last evaluated: 2019-11-21. Review status: no assertion criteria provided. Collection method: clinical testing. Allele origin: germline. Not counted in ClinVar's aggregate classification.
Comment: This variant is classified as benign based on ACMG/AMP sequence variant interpretation guidelines (Richards et al. 2015 PMID: 25741868, with internal and published modifications).

NM_003835.4(RGS9):c.1521C>G (p.Phe507Leu)

Gene: RGS9 (regulator of G protein signaling 9; plus strand). Cytogenetic location: 17q24.1.
Variant type: single nucleotide variant.
Coding change: c.1521C>G on transcript NM_003835.4 (MANE Select); coding-DNA position 1521, C replaced by G.
Protein change: p.Phe507Leu; replaces phenylalanine 507 with leucine.
Molecular consequence: missense variant.
Genome position (GRCh38, 1-based): chr17:65,225,115, C>G. VCF-style: chr17-65225115-C-G. GRCh37 (hg19) VCF-style: chr17-63221233-C-G.
Other names: c.1512C>G, p.Phe504Leu (NM_001081955.3); c.1521C>G (NM_003835.3); short protein forms F507L, F504L.
Identifiers: ClinVar variation 808311 (VCV000808311.52), dbSNP rs538728807, ClinGen allele CA8718081.
Genomic context (GRCh38, chr17:65,225,115, plus strand): 5'-CATGCCCCCGTCTCCTTCTAGCCCCTTCTCCTCCTCCTGCCGCTCCCCCAGGAAGCCTTT[C>G]GCCTCACCCAGCCGCTTCATCCGGCGACCCAGCACCACCATCTGCCCCTCACCCATCAGA-3'
Protein context (NP_003826.2, residues 497-517): SSSCRSPRKP[Phe507Leu]ASPSRFIRRP